The following is an entry in ClinVar:

ClinVar aggregate classification (germline): Uncertain significance (1 of 4 stars; one submission).

Conditions:
Familial hypercholesterolemia. Also called: Familial hypercholesterolaemia. Identifiers: MedGen C0020445, MONDO:0005439.

Submission:

Color Diagnostics, LLC DBA Color Health
Classification: Uncertain significance for Familial hypercholesterolemia. Last evaluated: 2025-07-25. Review status: criteria provided, single submitter. Criteria: ACMG Guidelines, 2015. Collection method: clinical testing. Allele origin: germline.
Comment: This missense variant replaces serine with tyrosine at codon 326 of the PCSK9 protein. Computational prediction suggests that this variant may have deleterious impact on protein structure and function. To our knowledge, functional studies have not been reported for this variant. This variant has not been reported in individuals affected with PCSK9-related disorders in the literature. This variant has not been identified in the general population by the Genome Aggregation Database (gnomAD). The available evidence is insufficient to determine the role of this variant in disease conclusively. Therefore, this variant is classified as a Variant of Uncertain Significance.

NM_174936.4(PCSK9):c.977C>A (p.Ser326Tyr)

Gene: PCSK9 (proprotein convertase subtilisin/kexin type 9; plus strand). Cytogenetic location: 1p32.3.
Variant type: single nucleotide variant.
Coding change: c.977C>A on transcript NM_174936.4 (MANE Select); coding-DNA position 977, C replaced by A.
Protein change: p.Ser326Tyr; replaces serine 326 with tyrosine.
Molecular consequence: missense variant. On other transcripts: non-coding transcript variant (8).
Genome position (GRCh38, 1-based): chr1:55,056,170, C>A. VCF-style: chr1-55056170-C-A. GRCh37 (hg19) VCF-style: chr1-55521843-C-A.
Other names: c.1100C>A, p.Ser367Tyr (NM_001407240.1); c.977C>A, p.Ser326Tyr (NM_001407241.1, NM_001407244.1, NM_001407247.1); c.980C>A, p.Ser327Tyr (NM_001407242.1); c.920C>A, p.Ser307Tyr (NM_001407243.1); c.785C>A, p.Ser262Tyr (NM_001407245.1); c.602C>A, p.Ser201Tyr (NM_001407246.1); short protein forms S201Y, S262Y, S307Y, S326Y, S327Y, S367Y.
Identifiers: ClinVar variation 4758309 (VCV004758309.1).
Genomic context (GRCh38, chr1:55,056,170, plus strand): 5'-GGGCTGGGGTCGTGCTGGTCACCGCTGCCGGCAACTTCCGGGACGATGCCTGCCTCTACT[C>A]CCCAGCCTCAGCTCCCGAGGTAGGTGCTGGGGCTGCTGCCCCAAGGCGCGGGTAGGGGGC-3'
Protein context (NP_777596.2, residues 316-336): GNFRDDACLY[Ser326Tyr]PASAPEVITV